The following is an entry in ClinVar:

ClinVar aggregate classification (germline): Uncertain significance (1 of 4 stars; one submission).

Conditions:
Hereditary cancer-predisposing syndrome. Also called: Neoplastic Syndromes, Hereditary; Hereditary neoplastic syndrome; Tumor predisposition; Hereditary Cancer Syndrome. Identifiers: Orphanet 140162, MedGen C0027672, MeSH D009386, MONDO:0015356.

Submission:

Ambry Genetics
Classification: Uncertain significance for Hereditary cancer-predisposing syndrome. Last evaluated: 2023-03-21. Review status: criteria provided, single submitter. Criteria: Ambry Variant Classification Scheme 2023. Collection method: clinical testing. Allele origin: germline.
Comment: The p.E1612Q variant (also known as c.4834G>C), located in coding exon 31 of the ATM gene, results from a G to C substitution at nucleotide position 4834. The glutamic acid at codon 1612 is replaced by glutamine, an amino acid with highly similar properties. This amino acid position is conserved. In addition, the in silico prediction for this alteration is inconclusive. Since supporting evidence is limited at this time, the clinical significance of this alteration remains unclear.

NM_000051.4(ATM):c.4834G>C (p.Glu1612Gln)

Gene: ATM (ATM serine/threonine kinase; plus strand). Cytogenetic location: 11q22.3.
Variant type: single nucleotide variant.
Coding change: c.4834G>C on transcript NM_000051.4 (MANE Select); coding-DNA position 4834, G replaced by C.
Protein change: p.Glu1612Gln; replaces glutamic acid 1612 with glutamine.
Molecular consequence: missense variant.
Genome position (GRCh38, 1-based): chr11:108,294,984, G>C. VCF-style: chr11-108294984-G-C. GRCh37 (hg19) VCF-style: chr11-108165711-G-C.
Other names: c.4834G>C, p.Glu1612Gln (NM_001351834.2); short protein forms E1612Q.
Identifiers: ClinVar variation 2454002 (VCV002454002.3), dbSNP rs2135835446, ClinGen allele CA382536807.